The following is an entry in ClinVar:

NM_006073.4(TRDN):c.1510+5G>A

Gene: TRDN (triadin; minus strand). Cytogenetic location: 6q22.31.
Variant type: single nucleotide variant.
Coding change: c.1510+5G>A on transcript NM_006073.4 (MANE Select); 5 bases into the intron after coding-DNA position 1510, G replaced by A.
Molecular consequence: intron variant.
Genome position (GRCh38, 1-based): chr6:123,316,452, C>T on the plus strand (G>A on the coding strand, the complement: TRDN is on the minus strand). VCF-style: chr6-123316452-C-T. GRCh37 (hg19) VCF-style: chr6-123637597-C-T.
Identifiers: ClinVar variation 1366480 (VCV001366480.7), dbSNP rs1779025821, ClinGen allele CA1660374494.

ClinVar aggregate classification (germline): Uncertain significance (1 of 4 stars; one submission).

Conditions:
Catecholaminergic polymorphic ventricular tachycardia 1. Also called: VENTRICULAR TACHYCARDIA, STRESS-INDUCED POLYMORPHIC 1; VENTRICULAR TACHYCARDIA, CATECHOLAMINERGIC POLYMORPHIC, 1, WITH OR WITHOUT ATRIAL DYSFUNCTION AND/OR DILATED CARDIOMYOPATHY; RYR2-Related Catecholaminergic Polymorphic Ventricular Tachycardia. Identifiers: Orphanet 3286, MedGen C1631597, MONDO:0011484, OMIM 604772.

Allele frequency attached by ClinVar (database versions not stated): gnomAD exomes below 0.00001; TOPMed 0.00001.
gnomAD v4.1: 4 of 1,609,744 alleles (0.00025%); highest among the groups gnomAD compares: Non-Finnish European, 0.00034%; no homozygotes.

Submission:

Labcorp Genetics (formerly Invitae), Labcorp
Classification: Uncertain significance for Catecholaminergic polymorphic ventricular tachycardia 1. Last evaluated: 2021-06-30. Review status: criteria provided, single submitter. Criteria: Invitae Variant Classification Sherloc (09022015). Collection method: clinical testing. Allele origin: germline.
Comment: This variant has not been reported in the literature in individuals with TRDN-related conditions. This variant is not present in population databases (ExAC no frequency). This sequence change falls in intron 24 of the TRDN gene. It does not directly change the encoded amino acid sequence of the TRDN protein. It affects a nucleotide within the consensus splice site of the intron. Nucleotide substitutions within the consensus splice site are a relatively common cause of aberrant splicing (PMID: 17576681, 9536098). Algorithms developed to predict the effect of sequence changes on RNA splicing suggest that this variant is not likely to affect RNA splicing, but this prediction has not been confirmed by published transcriptional studies. In summary, the available evidence is currently insufficient to determine the role of this variant in disease. Therefore, it has been classified as a Variant of Uncertain Significance.

Literature cited by the submitters: PubMed 17576681; PubMed 9536098.